The following is an entry in ClinVar:

NM_033641.4(COL4A6):c.4333+25C>G

Gene: COL4A6 (collagen type IV alpha 6 chain; minus strand). Cytogenetic location: Xq22.3.
Variant type: single nucleotide variant.
Coding change: c.4333+25C>G on transcript NM_033641.4 (MANE Select); 25 bases into the intron after coding-DNA position 4333, C replaced by G.
Molecular consequence: intron variant.
Genome position (GRCh38, 1-based): chrX:108,161,594, G>C on the plus strand (C>G on the coding strand, the complement: COL4A6 is on the minus strand). VCF-style: chrX-108161594-G-C. GRCh37 (hg19) VCF-style: chrX-107404824-G-C.
Other names: c.4336+25C>G (NM_001847.4); c.4162+25C>G (NM_001287760.2); c.4261+25C>G (NM_001287759.2); c.4384+25C>G (NM_001287758.2).
Identifiers: ClinVar variation 682770 (VCV000682770.2), dbSNP rs770511393, ClinGen allele CA10487221.

ClinVar aggregate classification (germline): Likely benign. Review status: criteria provided, multiple submitters, no conflicts (2 of 4 stars). 2 submissions from 2 submitters: Likely benign (2). Last evaluated 2018-06-13.

Allele frequency attached by ClinVar (database versions not stated): ExAC 0.00005.

Submissions (2):

GeneDx
Classification: Likely benign. Last evaluated: 2018-06-13. Review status: criteria provided, single submitter. Criteria: GeneDx Variant Classification (06012015). Collection method: clinical testing. Allele origin: germline. Affected: yes.
Comment: This variant is considered likely benign or benign based on one or more of the following criteria: it is a conservative change, it occurs at a poorly conserved position in the protein, it is predicted to be benign by multiple in silico algorithms, and/or has population frequency not consistent with disease.

Breakthrough Genomics
Classification: Likely benign. Review status: criteria provided, single submitter. Criteria: ACMG Guidelines, 2015. Collection method: not provided. Allele origin: germline. Inheritance: X-linked inheritance. Affected: yes.